The following is an entry in ClinVar:

NM_001267550.2(TTN):c.49532+8C>T

Genes: TTN (titin; minus strand), TTN-AS1 (TTN antisense RNA 1; plus strand). Cytogenetic location: 2q31.2.
Variant type: single nucleotide variant.
Coding change: c.49532+8C>T on transcript NM_001267550.2 (MANE Select); 8 bases into the intron after coding-DNA position 49532, C replaced by T.
Molecular consequence: intron variant.
Genome position (GRCh38, 1-based): chr2:178,613,743, G>A on the plus strand (C>T on the coding strand, the complement: TTN is on the minus strand). VCF-style: chr2-178613743-G-A. GRCh37 (hg19) VCF-style: chr2-179478470-G-A.
Other names: c.22337+8C>T (NM_003319.4); c.22913+8C>T (NM_133437.4); c.22712+8C>T (NM_133432.3); c.41828+8C>T (NM_133378.4); c.44609+8C>T (NM_001256850.1).
Identifiers: ClinVar variation 47033 (VCV000047033.8), dbSNP rs397517597, ClinGen allele CA139815.
Genomic context (GRCh38, chr2:178,613,743, plus strand): 5'-GGAATACTAAAGAGTAAACATTTGAATATACTGCTGTCTTAACATCTTGATGGGGATTCT[G>A]AGCATACCTGTATGTTGTGTCCTTTACTGGCATCTTATTGCATCTAACCCATTTATCTGT-3'

ClinVar aggregate classification (germline): Likely benign. Review status: criteria provided, multiple submitters, no conflicts (2 of 4 stars). 3 submissions from 3 submitters: Likely benign (3). Last evaluated 2026-02-14.

Conditions:
Dilated cardiomyopathy 1G (CMD1G). Identifiers: Orphanet 154, MedGen C1858763, MONDO:0011400, OMIM 604145.
Autosomal recessive limb-girdle muscular dystrophy type 2J (LGMDR10). Also called: Limb-girdle muscular dystrophy, type 2J; MUSCULAR DYSTROPHY, LIMB-GIRDLE, AUTOSOMAL RECESSIVE 10. Identifiers: Orphanet 140922, MedGen C1837342, MONDO:0012127, OMIM 608807.

Allele frequency attached by ClinVar (database versions not stated): gnomAD 0.00001; TOPMed 0.00001.

Submissions (3):

Women's Health and Genetics/Laboratory Corporation of America, LabCorp
Classification: Likely benign. Last evaluated: 2026-02-14. Review status: criteria provided, single submitter. Criteria: LabCorp Variant Classification Summary - May 2015. Collection method: clinical testing. Allele origin: germline.

Labcorp Genetics (formerly Invitae), Labcorp
Classification: Likely benign for Dilated cardiomyopathy 1G; Autosomal recessive limb-girdle muscular dystrophy type 2J. Last evaluated: 2024-06-29. Review status: criteria provided, single submitter. Criteria: Invitae Variant Classification Sherloc (09022015). Collection method: clinical testing. Allele origin: germline.

Laboratory for Molecular Medicine, Mass General Brigham Personalized Medicine
Classification: Likely benign. Last evaluated: 2012-08-30. Review status: criteria provided, single submitter. Criteria: LMM Criteria. Collection method: clinical testing. Allele origin: germline. Observed: 1 variant allele.
Comment: 41828+8C>T in intron 212 of TTN: This variant is not expected to have clinical s ignificance because it is not located within the splice consensus sequence. 41 828+8C>T in intron 212 of TTN (allele frequency = n/a)